The following is an entry in ClinVar:

NM_001329943.3(KIAA0586):c.1846G>T (p.Gly616Cys)

Gene: KIAA0586 (KIAA0586; plus strand). Cytogenetic location: 14q23.1.
Variant type: single nucleotide variant.
Coding change: c.1846G>T on transcript NM_001329943.3 (MANE Select); coding-DNA position 1846, G replaced by T.
Protein change: p.Gly616Cys; replaces glycine 616 with cysteine.
Molecular consequence: missense variant. On other transcripts: intron variant (1).
Genome position (GRCh38, 1-based): chr14:58,460,032, G>T. VCF-style: chr14-58460032-G-T. GRCh37 (hg19) VCF-style: chr14-58926750-G-T.
Other names: c.2005G>T, p.Gly669Cys (NM_001244189.2); c.1801G>T, p.Gly601Cys (NM_001244190.2); c.1591G>T, p.Gly531Cys (NM_001244191.2, NM_001329945.2, NM_001364700.1 and 1 more transcripts); c.1714G>T, p.Gly572Cys (NM_001244192.2); c.1426G>T, p.Gly476Cys (NM_001244193.2); c.1846G>T, p.Gly616Cys (NM_001329944.2, NM_001329946.2, NM_001329947.2); c.1657-954G>T (NM_014749.5); short protein forms G531C, G572C, G601C, G476C, G616C, G669C.
Identifiers: ClinVar variation 1427575 (VCV001427575.9), dbSNP rs766453312, ClinGen allele CA261626298.

ClinVar aggregate classification (germline): Uncertain significance. Review status: criteria provided, multiple submitters, no conflicts (2 of 4 stars). 4 submissions from 4 submitters: Uncertain significance (4). Last evaluated 2025-12-14.

Conditions:
Short-rib thoracic dysplasia 14 with polydactyly (SRTD14). Identifiers: Orphanet 397715, MedGen C4225286, MONDO:0014688, OMIM 616546.
Joubert syndrome 23 (JBTS23). Identifiers: Orphanet 475, MedGen C4084822, MONDO:0014664, OMIM 616490.

Allele frequency attached by ClinVar (database versions not stated): gnomAD exomes 0.00006; gnomAD 0.00007; TOPMed 0.00007.
gnomAD v4.1: 280 of 1,531,508 alleles (0.018%); highest among the groups gnomAD compares: Non-Finnish European, 0.022%; no homozygotes.

Submissions (4):

Labcorp Genetics (formerly Invitae), Labcorp
Classification: Uncertain significance for Joubert syndrome 23; Short-rib thoracic dysplasia 14 with polydactyly. Last evaluated: 2025-12-14. Review status: criteria provided, single submitter. Criteria: Invitae Variant Classification Sherloc (09022015). Collection method: clinical testing. Allele origin: germline.
Comment: This sequence change replaces glycine, which is neutral and non-polar, with cysteine, which is neutral and slightly polar, at codon 669 of the KIAA0586 protein (p.Gly669Cys). This variant is present in population databases (rs766453312, gnomAD 0.01%). This variant has not been reported in the literature in individuals affected with KIAA0586-related conditions. ClinVar contains an entry for this variant (Variation ID: 1427575). Invitae Evidence Modeling of protein sequence and biophysical properties (such as structural, functional, and spatial information, amino acid conservation, physicochemical variation, residue mobility, and thermodynamic stability) indicates that this missense variant is not expected to disrupt KIAA0586 protein function with a negative predictive value of 80%. In summary, the available evidence is currently insufficient to determine the role of this variant in disease. Therefore, it has been classified as a Variant of Uncertain Significance.

Women's Health and Genetics/Laboratory Corporation of America, LabCorp
Classification: Uncertain significance. Last evaluated: 2025-11-28. Review status: criteria provided, single submitter. Criteria: LabCorp Variant Classification Summary - May 2015. Collection method: clinical testing. Allele origin: germline.
Comment: Variant summary: KIAA0586 c.2005G>T (p.Gly669Cys) results in a non-conservative amino acid change in the encoded protein sequence. Algorithms developed to predict the effect of missense changes on protein structure and function are either unavailable or do not agree on the potential impact of this missense change. The variant allele was found at a frequency of 5.9e-05 in 135126 control chromosomes. The available data on variant occurrences in the general population are insufficient to allow any conclusion about variant significance. To our knowledge, no occurrence of c.2005G>T in individuals affected with KIAA0586-related conditions and no experimental evidence demonstrating its impact on protein function have been reported. ClinVar contains an entry for this variant (Variation ID: 1427575). Based on the evidence outlined above, the variant was classified as uncertain significance.

Blueprint Genetics
Classification: Uncertain significance. Last evaluated: 2024-08-11. Review status: criteria provided, single submitter. Criteria: ACMG Guidelines, 2015. Collection method: clinical testing. Allele origin: germline.

GeneDx
Classification: Uncertain significance. Last evaluated: 2024-03-12. Review status: criteria provided, single submitter. Criteria: GeneDx Variant Classification Process June 2021. Collection method: clinical testing. Allele origin: germline. Affected: yes.
Comment: In silico analysis supports that this missense variant does not alter protein structure/function; Has not been previously published as pathogenic or benign to our knowledge